The following is an entry in ClinVar:

NM_001040108.2(MLH3):c.1683A>G (p.Gly561=)

Gene: MLH3 (mutL homolog 3; minus strand). Cytogenetic location: 14q24.3.
Variant type: single nucleotide variant.
Coding change: c.1683A>G on transcript NM_001040108.2 (MANE Select); coding-DNA position 1683, A replaced by G.
Protein change: p.Gly561=; no amino-acid change (glycine 561 retained).
Molecular consequence: synonymous variant.
Genome position (GRCh38, 1-based): chr14:75,047,973, T>C on the plus strand (A>G on the coding strand, the complement: MLH3 is on the minus strand). VCF-style: chr14-75047973-T-C. GRCh37 (hg19) VCF-style: chr14-75514676-T-C.
Other names: c.1683A>G, p.Gly561= (NM_014381.3).
Identifiers: ClinVar variation 3295145 (VCV003295145.2).
Genomic context (GRCh38, chr14:75,047,973, plus strand): 5'-TTTCTCTGTCTGAGCACTATGTACTCCCCATAATGTTGTTGCAAAAGGCAGAGGCTGGCA[T>C]CCCACTTCAGTAGCATCTTTAAATCTCTTTGGTTGATTCTGAATTCTATTATTTTTCAAG-3'
Protein context (NP_001035197.1, residues 551-571): PKRFKDATEV[Gly561=]CQPLPFATTL

ClinVar aggregate classification (germline): Benign/Likely benign. Review status: criteria provided, multiple submitters, no conflicts (2 of 4 stars). 2 submissions from 2 submitters: Benign (1); Likely benign (1). Last evaluated 2026-09-16.

Conditions:
Colorectal cancer, hereditary nonpolyposis, type 7. Identifiers: Orphanet 144, MedGen C1858380, MONDO:0013725, OMIM 614385.

Submissions (2):

Myriad Genetics, Inc.
Classification: Benign for Colorectal cancer, hereditary nonpolyposis, type 7. Last evaluated: 2026-09-16. Review status: criteria provided, single submitter. Criteria: Myriad Autosomal Dominant, Autosomal Recessive and X-Linked Classification Criteria (2023). Collection method: clinical testing. Allele origin: unknown.
Comment: This variant is considered benign. This variant is a silent/synonymous amino acid change and it is not expected to impact splicing.

Ambry Genetics
Classification: Likely benign. Last evaluated: 2024-05-20. Review status: criteria provided, single submitter. Criteria: Ambry Variant Classification Scheme 2023. Collection method: clinical testing. Allele origin: germline.